The following is an entry in ClinVar:

ClinVar aggregate classification (germline): Uncertain significance (1 of 4 stars; one submission).

Conditions:
Immunodeficiency, common variable, 10. Also called: IMMUNODEFICIENCY, COMMON VARIABLE, WITH CENTRAL ADRENAL INSUFFICIENCY; DEFICIT IN ANTERIOR PITUITARY FUNCTION AND VARIABLE IMMUNODEFICIENCY. Identifiers: MedGen C3809991, MONDO:0014260, OMIM 615577.

Allele frequency attached by ClinVar (database versions not stated): TOPMed below 0.00001; gnomAD 0.00001; gnomAD exomes 0.00001.

Submission:

Labcorp Genetics (formerly Invitae), Labcorp
Classification: Uncertain significance for Immunodeficiency, common variable, 10. Last evaluated: 2022-04-30. Review status: criteria provided, single submitter. Criteria: Invitae Variant Classification Sherloc (09022015). Collection method: clinical testing. Allele origin: germline.
Comment: The frequency data for this variant in the population databases is considered unreliable, as metrics indicate poor data quality at this position in the gnomAD database. In summary, the available evidence is currently insufficient to determine the role of this variant in disease. Therefore, it has been classified as a Variant of Uncertain Significance. Algorithms developed to predict the effect of missense changes on protein structure and function (SIFT, PolyPhen-2, Align-GVGD) all suggest that this variant is likely to be tolerated. This variant has not been reported in the literature in individuals affected with NFKB2-related conditions. This sequence change replaces arginine, which is basic and polar, with glutamine, which is neutral and polar, at codon 569 of the NFKB2 protein (p.Arg569Gln).

NM_001322934.2(NFKB2):c.1706G>A (p.Arg569Gln)

Gene: NFKB2 (nuclear factor kappa B subunit 2; plus strand). Cytogenetic location: 10q24.32.
Variant type: single nucleotide variant.
Coding change: c.1706G>A on transcript NM_001322934.2 (MANE Select); coding-DNA position 1706, G replaced by A.
Protein change: p.Arg569Gln; replaces arginine 569 with glutamine.
Molecular consequence: missense variant.
Genome position (GRCh38, 1-based): chr10:102,400,399, G>A. VCF-style: chr10-102400399-G-A. GRCh37 (hg19) VCF-style: chr10-104160156-G-A.
Other names: c.1706G>A, p.Arg569Gln (NM_001077493.1, NM_001077494.3, NM_001261403.3 and 2 more transcripts); c.1580G>A, p.Arg527Gln (NM_001322935.1); short protein forms R527Q, R569Q.
Identifiers: ClinVar variation 1984611 (VCV001984611.4), dbSNP rs1423547763, ClinGen allele CA377901965.